The following is an entry in ClinVar:

ClinVar aggregate classification (germline): Likely benign (1 of 4 stars; one submission).

gnomAD v4.1: 4 of 1,613,976 alleles (0.00025%); highest among the groups gnomAD compares: East Asian, 0.0089%; no homozygotes.

Submission:

CeGaT Center for Human Genetics Tuebingen
Classification: Likely benign. Last evaluated: 2023-10-01. Review status: criteria provided, single submitter. Criteria: CeGaT Center For Human Genetics Tuebingen Variant Classification Criteria Version 2. Collection method: clinical testing. Allele origin: germline. Affected: yes. Observed: 1 variant allele.
Comment: DST: PM2:Supporting, BP4, BP7

NM_001374736.1(DST):c.21651A>T (p.Thr7217=)

Gene: DST (dystonin; minus strand). Cytogenetic location: 6p12.1.
Variant type: single nucleotide variant.
Coding change: c.21651A>T on transcript NM_001374736.1 (MANE Select); coding-DNA position 21651, A replaced by T.
Protein change: p.Thr7217=; no amino-acid change (threonine 7217 retained).
Molecular consequence: synonymous variant.
Genome position (GRCh38, 1-based): chr6:56,477,369, T>A on the plus strand (A>T on the coding strand, the complement: DST is on the minus strand). VCF-style: chr6-56477369-T-A. GRCh37 (hg19) VCF-style: chr6-56342167-T-A.
Other names: c.15294A>T, p.Thr5098= (NM_001144769.5); c.14880A>T, p.Thr4960= (NM_001144770.2); c.21651A>T, p.Thr7217= (NM_001374722.1); c.20691A>T, p.Thr6897= (NM_001374729.1); c.14433A>T, p.Thr4811= (NM_001374730.1); c.21678A>T, p.Thr7226= (NM_001374734.1); c.14760A>T, p.Thr4920= (NM_001386100.1, NM_183380.4); c.13782A>T, p.Thr4594= (NM_015548.5).
Identifiers: ClinVar variation 2656653 (VCV002656653.24), dbSNP rs780128469, ClinGen allele CA450487365.